The following is an entry in ClinVar:

NM_004187.5(KDM5C):c.2827C>T (p.Arg943Ter)

Gene: KDM5C (lysine demethylase 5C; minus strand). Cytogenetic location: Xp11.22.
Variant type: single nucleotide variant.
Coding change: c.2827C>T on transcript NM_004187.5 (MANE Select); coding-DNA position 2827, C replaced by T.
Protein change: p.Arg943Ter; replaces arginine 943 with a stop codon.
Molecular consequence: nonsense. On other transcripts: non-coding transcript variant (3).
Genome position (GRCh38, 1-based): chrX:53,196,840, G>A on the plus strand (C>T on the coding strand, the complement: KDM5C is on the minus strand). VCF-style: chrX-53196840-G-A. GRCh37 (hg19) VCF-style: chrX-53226022-G-A.
Other names: c.2626C>T, p.Arg876Ter (NM_001146702.2); c.2824C>T, p.Arg942Ter (NM_001282622.3, NM_001353979.2, NM_001353982.2); c.2827C>T, p.Arg943Ter (NM_001353978.3, NM_001353981.2, NM_001353984.2); short protein forms R876*, R942*, R943*.
Identifiers: ClinVar variation 3897952 (VCV003897952.2).
Genomic context (GRCh38, chrX:53,196,840, plus strand): 5'-TAGGGGCTACACTGGCACCCGCGACCAACAGTCCTCGCATGACAGCCAAGGTGCCCCTTC[G>A]GGCTGAGGGGGCCAGTGTGCGTTTCACCTCATCCAGCCATCGCGCCTGTTCCACCTGCCG-3'

ClinVar aggregate classification (germline): Pathogenic/Likely pathogenic. Review status: criteria provided, multiple submitters, no conflicts (2 of 4 stars). 2 submissions from 2 submitters: Pathogenic (1); Likely pathogenic (1). Last evaluated 2024-02-01.

Conditions:
Intellectual developmental disorder, X-linked, syndromic, Claes-Jensen type. Also called: Syndromic X-linked intellectual disability Claes-Jensen type; INTELLECTUAL DEVELOPMENTAL DISORDER, X-LINKED, SYNDROMIC 16; MENTAL RETARDATION, X-LINKED, SYNDROMIC 16. Identifiers: Orphanet 85279, MedGen C1845243, MONDO:0010355, OMIM 300534.
KDM5C-related disorder. Also called: KDM5C-related condition.

Submissions (2):

Neuberg Centre For Genomic Medicine, NCGM
Classification: Likely pathogenic for Intellectual developmental disorder, X-linked, syndromic, Claes-Jensen type. Last evaluated: 2024-02-01. Review status: criteria provided, single submitter. Criteria: ACMG Guidelines, 2015. Collection method: clinical testing. Allele origin: germline. Inheritance: X-linked recessive inheritance.
Comment: The observed stop gained variant c.2827C>T(p.Arg943Ter) in KDM5C gene has not been reported previously as a pathogenic variant nor as a benign variant, to our knowledge. This variant is predicted to cause loss of normal protein function through protein truncation. Loss of function variants have been previously reported to be disease causing (Abidi FE, et al., 2008).

Blueprint Genetics
Classification: Pathogenic for KDM5C-related disorders. Last evaluated: 2023-02-01. Review status: criteria provided, single submitter. Criteria: ACMG Guidelines, 2015. Collection method: clinical testing. Allele origin: germline. Affected: yes. Observed: 2 variant alleles.